The following is an entry in ClinVar:

ClinVar aggregate classification (germline): Benign. Review status: criteria provided, multiple submitters, no conflicts (2 of 4 stars). 7 submissions from 7 submitters: Benign (6). 1 of the submissions does not count toward it. Last evaluated 2026-02-01.

Conditions:
VPS13A-related neurodegenerative disease. Also called: Choreoacanthocytosis; Chorea-acanthocytosis; LEVINE-CRITCHLEY SYNDROME; Choreaacanthocytosis; ACANTHOCYTOSIS WITH NEUROLOGIC DISORDER; VPS13A Disease. Identifiers: Orphanet 2388, MedGen C0393576, MONDO:0008695, OMIM 200150.

Allele frequency attached by ClinVar (database versions not stated): gnomAD exomes 0.00767 and 0.01064; ExAC 0.01262; 1000 Genomes Project 0.02196; gnomAD 0.02216 and 0.02340; 1000 Genomes Project 30x 0.02280; TOPMed 0.02382; ESP Exome Variant Server 0.02455.
gnomAD v4.1: 14,730 of 1,610,694 alleles (0.91%); highest among the groups gnomAD compares: African/African-American, 6.3%; 189 homozygotes.

Submissions (7):

Labcorp Genetics (formerly Invitae), Labcorp
Classification: Benign. Last evaluated: 2026-02-01. Review status: criteria provided, single submitter. Criteria: Invitae Variant Classification Sherloc (09022015). Collection method: clinical testing. Allele origin: germline.

Athena Diagnostics
Classification: Benign. Last evaluated: 2024-12-31. Review status: criteria provided, single submitter. Criteria: Athena Diagnostics Criteria. Collection method: clinical testing. Allele origin: unknown.
Comment: The frequency of this variant in the general population is higher than would generally be expected for pathogenic variants in this gene.

Mayo Clinic Laboratories, Mayo Clinic
Classification: Benign. Last evaluated: 2023-02-13. Review status: criteria provided, single submitter. Criteria: ACMG Guidelines, 2015. Collection method: clinical testing. Allele origin: germline. Observed: 12 variant alleles.

GeneDx
Classification: Benign. Last evaluated: 2018-07-17. Review status: criteria provided, single submitter. Criteria: GeneDx Variant Classification Process June 2021. Collection method: clinical testing. Allele origin: germline. Affected: yes.

Illumina Laboratory Services, Illumina
Classification: Benign for VPS13A-related neurodegenerative disease. Last evaluated: 2018-01-12. Review status: criteria provided, single submitter. Criteria: ICSL Variant Classification Criteria 13 December 2019. Collection method: clinical testing. Allele origin: germline.
Comment: This variant was observed in the ICSL laboratory as part of a predisposition screen in an ostensibly healthy population. It had not been previously curated by ICSL or reported in the Human Gene Mutation Database (HGMD: prior to June 1st, 2018), and was therefore a candidate for classification through an automated scoring system. Utilizing variant allele frequency, disease prevalence and penetrance estimates, and inheritance mode, an automated score was calculated to assess if this variant is too frequent to cause the disease. Based on the score and internal cut-off values, a variant classified as benign is not then subjected to further curation. The score for this variant resulted in a classification of benign for this disease.

Breakthrough Genomics
Classification: Benign. Review status: criteria provided, single submitter. Criteria: ACMG Guidelines, 2015. Collection method: not provided. Allele origin: germline. Inheritance: Autosomal recessive inheritance. Affected: yes.

Natera, Inc.
Classification: Benign for Choreaacanthocytosis. Last evaluated: 2019-11-28. Review status: no assertion criteria provided. Collection method: clinical testing. Allele origin: germline. Not counted in ClinVar's aggregate classification.

NM_033305.3(VPS13A):c.3108T>C (p.Ile1036=)

Gene: VPS13A (vacuolar protein sorting 13 homolog A; plus strand). Cytogenetic location: 9q21.2.
Variant type: single nucleotide variant.
Coding change: c.3108T>C on transcript NM_033305.3 (MANE Select); coding-DNA position 3108, T replaced by C.
Protein change: p.Ile1036=; no amino-acid change (isoleucine 1036 retained).
Molecular consequence: synonymous variant.
Genome position (GRCh38, 1-based): chr9:77,282,264, T>C. VCF-style: chr9-77282264-T-C. GRCh37 (hg19) VCF-style: chr9-79897180-T-C.
Other names: p.Ile1036=; c.3108T>C, p.Ile1036= (NM_001018037.2, NM_001018038.3, NM_015186.4).
Identifiers: ClinVar variation 367373 (VCV000367373.20), dbSNP rs78046172, ClinGen allele CA5092142.